The following is an entry in ClinVar:

ClinVar aggregate classification (germline): Pathogenic (1 of 4 stars; one submission).

Submission:

GeneDx
Classification: Pathogenic. Last evaluated: 2026-04-22. Review status: criteria provided, single submitter. Criteria: GeneDx Variant Classification Process June 2021. Collection method: clinical testing. Allele origin: germline.
Comment: Not observed at significant frequency in large population cohorts (gnomAD); In silico analysis supports that this missense variant has a deleterious effect on protein structure/function; Has not been previously published as pathogenic or benign to our knowledge; This variant is associated with the following publications: (PMID: 24658002)

NM_003072.5(SMARCA4):c.3500C>T (p.Ser1167Leu)

Gene: SMARCA4 (SWI/SNF related BAF chromatin remodeling complex subunit ATPase 4; plus strand). Cytogenetic location: 19p13.2.
Variant type: single nucleotide variant.
Coding change: c.3500C>T on transcript NM_003072.5 (MANE Select); coding-DNA position 3500, C replaced by T.
Protein change: p.Ser1167Leu; replaces serine 1167 with leucine.
Molecular consequence: missense variant. On other transcripts: non-coding transcript variant (1).
Genome position (GRCh38, 1-based): chr19:11,030,847, C>T. VCF-style: chr19-11030847-C-T. GRCh37 (hg19) VCF-style: chr19-11141523-C-T.
Other names: c.3500C>T, p.Ser1167Leu (NM_001128844.3, NM_001128845.2, NM_001128846.2 and 6 more transcripts); short protein forms S1167L.
Identifiers: ClinVar variation 3361803 (VCV003361803.2).